The following is an entry in ClinVar:

NM_017763.6(RNF43):c.433C>G (p.Arg145Gly)

Gene: RNF43 (ring finger protein 43; minus strand). Cytogenetic location: 17q22.
Variant type: single nucleotide variant.
Coding change: c.433C>G on transcript NM_017763.6 (MANE Select); coding-DNA position 433, C replaced by G.
Protein change: p.Arg145Gly; replaces arginine 145 with glycine.
Molecular consequence: missense variant.
Genome position (GRCh38, 1-based): chr17:58,363,543, G>C on the plus strand (C>G on the coding strand, the complement: RNF43 is on the minus strand). VCF-style: chr17-58363543-G-C. GRCh37 (hg19) VCF-style: chr17-56440904-G-C.
Other names: c.433C>G, p.Arg145Gly (NM_001305544.3, NM_001438820.1, NM_001438821.1 and 1 more transcripts); c.52C>G, p.Arg18Gly (NM_001305545.2, NM_001437987.1); short protein forms R18G, R145G.
Identifiers: ClinVar variation 5028329 (VCV005028329.1).
Genomic context (GRCh38, chr17:58,363,543, plus strand): 5'-TCCATCCAGCCCCCACCTTGAACACGCAAATGTCCCTGGGTACCTGCTCAGCAGCAGCTC[G>C]ATCCTCAGTGATGTCAAAGAGGACAGCACTGGCTCCTCGCTCACCCGCCATCCGAGCCTG-3'
Protein context (NP_060233.3, residues 135-155): SAVLFDITED[Arg145Gly]AAAEQLQQPL

ClinVar aggregate classification (germline): Uncertain significance (1 of 4 stars; one submission).

Submission:

Ambry Genetics
Classification: Uncertain significance. Last evaluated: 2026-07-04. Review status: criteria provided, single submitter. Criteria: Ambry Variant Classification Scheme 2023. Collection method: clinical testing. Allele origin: germline.
Comment: The p.R145G variant (also known as c.433C>G), located in coding exon 3 of the RNF43 gene, results from a C to G substitution at nucleotide position 433. The arginine at codon 145 is replaced by glycine, an amino acid with dissimilar properties. This amino acid position is conserved. In addition, this alteration is predicted to be tolerated by in silico analysis. Based on the available evidence, the clinical significance of this variant remains unclear.